The following continues an entry in ClinVar:

NM_007194.4(CHEK2):c.591del (p.Val198fs)

Gene: CHEK2. ClinVar aggregate classification (germline): Pathogenic/Likely pathogenic. Pathogenic (17); Likely pathogenic (2).

Submissions 13 to 21 of 21:

Sema4
Classification: Pathogenic for Hereditary cancer-predisposing syndrome. Last evaluated: 2021-11-08. Review status: criteria provided, single submitter. Criteria: Sema4 Curation Guidelines. Collection method: curation. Allele origin: germline.
Comment: The CHEK2 c.591delA (p. V198FfsX7) variant has been reported in multiple individuals/families with breast cancer, male breast cancer and prostate cancer (PMID: 17721994, 26022348, 30303537, 26681312, 27433846, 28008555). This variant, also known as 589delA, causes a frameshift at amino acid 198 that results in premature termination 7 amino acids downstream. At this location, this variant is predicted to cause loss of normal protein function either through protein truncation or nonsense-mediated mRNA decay. Loss of function variants in CHEK2 are known to be pathogenic (PMID: 21876083). It was observed in 6/282716 chromosomes in the large and broad cohorts of the Genome Aggregation Database (PMID: 32461654). The variant has been reported in ClinVar (Variation ID 142114). Based on the current evidence available, this variant is interpreted as pathogenic.

Greenwood Genetic Center Diagnostic Laboratories, Greenwood Genetic Center
Classification: Pathogenic for Familial cancer of breast; Colorectal cancer; Familial prostate cancer. Last evaluated: 2021-11-02. Review status: criteria provided, single submitter. Criteria: ACMG Guidelines, 2015. Collection method: clinical testing. Allele origin: germline.
Comment: PVS1, PS3, PM2

Quest Diagnostics Nichols Institute San Juan Capistrano
Classification: Pathogenic. Last evaluated: 2021-08-20. Review status: criteria provided, single submitter. Criteria: Quest Diagnostics criteria. Collection method: clinical testing. Allele origin: unknown.
Comment: The CHEK2 c.591del (p.Val198Phefs*7) variant alters the translational reading frame of the CHEK2 mRNA and causes the premature termination of CHEK2 protein synthesis. This variant has been reported in the published literature in individuals affected with breast or prostate cancer in the published literature (PMID: 32906215 (2020), 30706980 (2019), 28008555 (2017), 27433846 (2016), 26681312 (2015), 26022348 (2015)). The frequency of this variant in the general population, 0.00004 (1/24946 chromosomes (Genome Aggregation Database)), is consistent with pathogenicity. Based on the available information, this variant is classified as pathogenic.

Cambridge Genomics Laboratory, East Genomic Laboratory Hub, NHS Genomic Medicine Service
Classification: Pathogenic for Childhood neoplasm. Last evaluated: 2020-05-15. Review status: criteria provided, single submitter. Criteria: ACGS Best Practice Guidelines for Variant Classification in Rare Disease 2020. Collection method: clinical testing. Allele origin: germline. Affected: yes. Observed: 1 variant allele.

Women's Health and Genetics/Laboratory Corporation of America, LabCorp
Classification: Pathogenic for Hereditary breast and ovarian cancer syndrome. Last evaluated: 2020-03-24. Review status: criteria provided, single submitter. Criteria: LabCorp Variant Classification Summary - May 2015. Collection method: clinical testing. Allele origin: germline.
Comment: Variant summary: CHEK2 c.591delA (p.Val198PhefsX7) results in a premature termination codon, predicted to cause a truncation of the encoded protein or absence of the protein due to nonsense mediated decay, which are commonly known mechanisms for disease. Truncations downstream of this position have been classified as pathogenic by our laboratory. The variant allele was found at a frequency of 2e-05 in 251334 control chromosomes (gnomAD). c.591delA has been reported in the literature in multiple individuals affected with breast cancer (Bell_2007, Schroeder_2015, Susswein_2016, Girard_2019), male breast cancer (Pritzlaff_2017) and prostate cancer (Pritchard_2016). These data indicate that the variant is very likely to be associated with disease. At least one publication reported experimental evidence evaluating an impact on protein function, and noted that a complete loss-of-function may be presumed for this truncating mutation (Bell_2007). Seven clinical diagnostic laboratories have submitted clinical-significance assessments for this variant to ClinVar after 2014 without evidence for independent evaluation. All laboratories classified the variant as pathogenic (6x) / likely pathogenic (1x). Based on the evidence outlined above, the variant was classified as pathogenic.

Revvity Omics, Revvity
Classification: Pathogenic. Last evaluated: 2019-06-13. Review status: criteria provided, single submitter. Criteria: ACMG Guidelines, 2015. Collection method: clinical testing. Allele origin: germline.

Eurofins Ntd Llc (ga)
Classification: Pathogenic. Last evaluated: 2018-04-05. Review status: criteria provided, single submitter. Criteria: EGL ClinVar v180209 classification definitions. Collection method: clinical testing. Allele origin: germline. Observed: 1 variant allele, 1 heterozygote.

Counsyl
Classification: Likely pathogenic for Familial cancer of breast. Last evaluated: 2016-07-05. Review status: no assertion criteria provided. Collection method: clinical testing. Allele origin: unknown. Not counted in ClinVar's aggregate classification.

Department of Pathology and Laboratory Medicine, Sinai Health System
Classification: Pathogenic for Malignant tumor of breast. Review status: no assertion criteria provided. Collection method: clinical testing. Allele origin: unknown. Affected: yes. Study: The Canadian Open Genetics Repository (COGR). Not counted in ClinVar's aggregate classification.
Comment: The CHEK2 p.Val198Phefs*7 variant was identified in 4 of 23674 proband chromosomes (frequency: 0.0002) from individuals or families with breast or prostate cancer (Bell 2007, Pritchard 2016, Pritzaff 2016, Susswein 2016). The variant was also identified in dbSNP (ID: rs587782245) as "With Pathogenic allele ", and in ClinVar (classified as pathogenic by Ambry Genetics, GeneDx, Invitae, Color Genomics; as likely pathogenic by Counsil and one clinical laboratory). The variant was not identified in Cosmic, MutDB, Zhejiang Colon Cancer Database, databases. The variant was not identified in the following control databases: the Exome Aggregation Consortium (August 8th 2016), or the Genome Aggregation Database (Feb 27, 2017). The c.591del variant is predicted to cause a frameshift, which alters the protein's amino acid sequence beginning at codon 198 and leads to a premature stop codon at position 204. This alteration is then predicted to result in a truncated or absent protein and loss of function. Loss of function variants of the CHEK2 gene are an established mechanism of disease in CHEK2 associated cancers and is the type of variant expected to cause the disorder. In summary, based on the above information this variant meets our laboratoryâ€šÃ„Ã´s criteria to be classified as pathogenic.

Literature cited by the submitters: PubMed 21876083 (cited by Labcorp Genetics (formerly Invitae), Labcorp and Sema4); PubMed 24713400 (cited by Labcorp Genetics (formerly Invitae), Labcorp); PubMed 17721994 (cited by 6 submitters); PubMed 26681312 (cited by 5 submitters); PubMed 27433846 (cited by 6 submitters); PubMed 28008555 (cited by 6 submitters); PubMed 26022348 (cited by 4 submitters); PubMed 27751358 (cited by Ambry Genetics and Quest Diagnostics Nichols Institute San Juan Capistrano); PubMed 30303537 (cited by 4 submitters); PubMed 32906215 (cited by Quest Diagnostics Nichols Institute San Juan Capistrano); PubMed 30706980 (cited by Quest Diagnostics Nichols Institute San Juan Capistrano); PubMed 31398194 (cited by Quest Diagnostics Nichols Institute San Juan Capistrano).